The following is an entry in ClinVar:

NM_006361.6(HOXB13):c.24C>T (p.Thr8=)

Gene: HOXB13 (homeobox B13; minus strand). Cytogenetic location: 17q21.32.
Variant type: single nucleotide variant.
Coding change: c.24C>T on transcript NM_006361.6 (MANE Select); coding-DNA position 24, C replaced by T.
Protein change: p.Thr8=; no amino-acid change (threonine 8 retained).
Molecular consequence: synonymous variant.
Genome position (GRCh38, 1-based): chr17:48,728,570, G>A on the plus strand (C>T on the coding strand, the complement: HOXB13 is on the minus strand). VCF-style: chr17-48728570-G-A. GRCh37 (hg19) VCF-style: chr17-46805932-G-A.
Identifiers: ClinVar variation 821371 (VCV000821371.14), dbSNP rs748740551, ClinGen allele CA291350983.

ClinVar aggregate classification (germline): Conflicting classifications of pathogenicity. Review status: criteria provided, conflicting classifications (1 of 4 stars). 4 submissions from 4 submitters: Uncertain significance (1); Benign (1); Likely benign (2). Last evaluated 2026-02-01.

Conditions:
Hereditary cancer-predisposing syndrome. Also called: Neoplastic Syndromes, Hereditary; Tumor predisposition; Hereditary Cancer Syndrome; Hereditary neoplastic syndrome. Identifiers: Orphanet 140162, MedGen C0027672, MeSH D009386, MONDO:0015356.
Prostate cancer, hereditary, 9 (HPC9). Identifiers: Orphanet 1331, MedGen C1970250, MONDO:0012597, OMIM 610997.

Allele frequency attached by ClinVar (database versions not stated): TOPMed below 0.00001.
gnomAD v4.1: 2 of 1,612,622 alleles (0.00012%); highest among the groups gnomAD compares: Non-Finnish European, 0.00017%; no homozygotes.

Submissions (4):

Labcorp Genetics (formerly Invitae), Labcorp
Classification: Likely benign. Last evaluated: 2026-02-01. Review status: criteria provided, single submitter. Criteria: Invitae Variant Classification Sherloc (09022015). Collection method: clinical testing. Allele origin: germline.

Quest Diagnostics Nichols Institute San Juan Capistrano
Classification: Uncertain significance. Last evaluated: 2025-04-15. Review status: criteria provided, single submitter. Criteria: Quest Diagnostics criteria. Collection method: clinical testing. Allele origin: unknown.
Comment: The HOXB13 c.24C>T (p.Thr8=) synonymous variant has not been reported in individuals with HOXB13-related conditions in the published literature. The frequency of this variant in the general population (Genome Aggregation Database) is uninformative in the assessment of its pathogenicity. Analysis of this variant using software algorithms for the prediction of the effect of nucleotide changes on splicing yielded predictions that this variant does not affect HOXB13 mRNA splicing. Based on the available information, we are unable to determine the clinical significance of this variant.

Myriad Genetics, Inc.
Classification: Benign for Prostate cancer, hereditary, 9. Last evaluated: 2024-10-28. Review status: criteria provided, single submitter. Criteria: Myriad Autosomal Dominant, Autosomal Recessive and X-Linked Classification Criteria (2023). Collection method: clinical testing. Allele origin: unknown.
Comment: This variant is considered benign. This variant is a silent/synonymous amino acid change and it is not expected to impact splicing.

Ambry Genetics
Classification: Likely benign for Hereditary cancer-predisposing syndrome. Last evaluated: 2017-12-26. Review status: criteria provided, single submitter. Criteria: Ambry Variant Classification Scheme 2023. Collection method: clinical testing. Allele origin: germline.